The following is an entry in ClinVar:

ClinVar aggregate classification (germline): Benign/Likely benign. Review status: criteria provided, multiple submitters, no conflicts (2 of 4 stars). 5 submissions from 5 submitters: Benign (3); Likely benign (2). Last evaluated 2026-02-01.

Allele frequency attached by ClinVar (database versions not stated): ESP Exome Variant Server 0.00115; 1000 Genomes Project 30x 0.00125; 1000 Genomes Project 0.00140; gnomAD 0.00153 and 0.00155; gnomAD exomes 0.00156; TOPMed 0.00156; ExAC 0.00172.
gnomAD v4.1: 4,223 of 1,585,762 alleles (0.27%); highest among the groups gnomAD compares: Non-Finnish European, 0.34%; 15 homozygotes.

Submissions (5):

Labcorp Genetics (formerly Invitae), Labcorp
Classification: Benign. Last evaluated: 2026-02-01. Review status: criteria provided, single submitter. Criteria: Invitae Variant Classification Sherloc (09022015). Collection method: clinical testing. Allele origin: germline.

Blueprint Genetics
Classification: Likely benign. Last evaluated: 2024-11-18. Review status: criteria provided, single submitter. Criteria: ACMG Guidelines, 2015. Collection method: clinical testing. Allele origin: germline.

CeGaT Center for Human Genetics Tuebingen
Classification: Likely benign. Last evaluated: 2024-10-01. Review status: criteria provided, single submitter. Criteria: CeGaT Center For Human Genetics Tuebingen Variant Classification Criteria Version 2. Collection method: clinical testing. Allele origin: germline. Affected: yes. Observed: 1 variant allele.
Comment: RASA2: BP4, BS2

GeneDx
Classification: Benign. Last evaluated: 2021-04-16. Review status: criteria provided, single submitter. Criteria: GeneDx Variant Classification Process June 2021. Collection method: clinical testing. Allele origin: germline. Affected: yes.

Women's Health and Genetics/Laboratory Corporation of America, LabCorp
Classification: Benign. Last evaluated: 2017-07-04. Review status: criteria provided, single submitter. Criteria: LabCorp Variant Classification Summary - May 2015. Collection method: clinical testing. Allele origin: germline.
Comment: Variant summary: The RASA2 c.761+8C>T variant involves the alteration of a non-conserved intronic nucleotide. Mutation taster predicts a benign outcome for this variant. 5/5 splice prediction tools predict no significant impact on normal splicing. This variant was found in 207/120434 control chromosomes (1 homozygote) at a frequency of 0.0017188, which is approximately 344 times the estimated maximal expected allele frequency of a pathogenic RASA2 variant (0.000005), suggesting this variant is likely a benign polymorphism. The variant of interest has not, to our knowledge, been reported in affected individuals via publications and/or reputable databases/clinical diagnostic laboratories. Taken together, this variant is classified as benign.

NM_006506.5(RASA2):c.761+8C>T

Gene: RASA2 (RAS p21 protein activator 2; plus strand). Cytogenetic location: 3q23.
Variant type: single nucleotide variant.
Coding change: c.761+8C>T on transcript NM_006506.5 (MANE Select); 8 bases into the intron after coding-DNA position 761, C replaced by T.
Molecular consequence: intron variant.
Genome position (GRCh38, 1-based): chr3:141,558,970, C>T. VCF-style: chr3-141558970-C-T. GRCh37 (hg19) VCF-style: chr3-141277812-C-T.
Other names: c.761+8C>T (NM_001303245.3, NM_001303246.3).
Identifiers: ClinVar variation 496329 (VCV000496329.29), dbSNP rs143073468, ClinGen allele CA2645302.
Genomic context (GRCh38, chr3:141,558,970, plus strand): 5'-AGAAAGTCCCAGTTCCAGGTAGAAGAGGAGGACATTGAAAAGCTAGAAATCAGGTATGTG[C>T]CTTGGGGTTTTACAGAATTGCTTTTTTGTATACCAAAAGAAAATCCTAGATTCAACCAAA-3'